The following is an entry in ClinVar:

NM_001382430.1(AKT1):c.1436C>T (p.Thr479Met)

Gene: AKT1 (AKT serine/threonine kinase 1; minus strand). Cytogenetic location: 14q32.33.
Variant type: single nucleotide variant.
Coding change: c.1436C>T on transcript NM_001382430.1 (MANE Select); coding-DNA position 1436, C replaced by T.
Protein change: p.Thr479Met; replaces threonine 479 with methionine.
Molecular consequence: missense variant.
Genome position (GRCh38, 1-based): chr14:104,770,348, G>A on the plus strand (C>T on the coding strand, the complement: AKT1 is on the minus strand). VCF-style: chr14-104770348-G-A. GRCh37 (hg19) VCF-style: chr14-105236685-G-A.
Other names: c.1436C>T, p.Thr479Met (NM_001014431.2, NM_001014432.2, NM_001382431.1 and 3 more transcripts); short protein forms T479M.
Identifiers: ClinVar variation 1006787 (VCV001006787.9), dbSNP rs201291259, ClinGen allele CA7374434.

ClinVar aggregate classification (germline): Uncertain significance (1 of 4 stars; one submission).

Conditions:
Cowden syndrome 6 (CWS6). Identifiers: Orphanet 201, MedGen C3554519, MONDO:0014048, OMIM 615109.

Allele frequency attached by ClinVar (database versions not stated): gnomAD 0.00001; TOPMed 0.00001; gnomAD exomes 0.00002 and 0.00003; ExAC 0.00003; 1000 Genomes Project 0.00020; 1000 Genomes Project 30x 0.00031.
gnomAD v4.1: 39 of 1,611,358 alleles (0.0024%); highest among the groups gnomAD compares: Non-Finnish European, 0.0027%; no homozygotes.

Submission:

Labcorp Genetics (formerly Invitae), Labcorp
Classification: Uncertain significance for Cowden syndrome 6. Last evaluated: 2020-09-15. Review status: criteria provided, single submitter. Criteria: Invitae Variant Classification Sherloc (09022015). Collection method: clinical testing. Allele origin: germline.
Comment: This sequence change replaces threonine with methionine at codon 479 of the AKT1 protein (p.Thr479Met). The threonine residue is weakly conserved and there is a moderate physicochemical difference between threonine and methionine. This variant is present in population databases (rs201291259, ExAC 0.03%). This variant has not been reported in the literature in individuals with AKT1-related conditions. Algorithms developed to predict the effect of missense changes on protein structure and function are either unavailable or do not agree on the potential impact of this missense change (SIFT: "Tolerated"; PolyPhen-2: "Possibly Damaging"; Align-GVGD: "Class C0"). In summary, the available evidence is currently insufficient to determine the role of this variant in disease. Therefore, it has been classified as a Variant of Uncertain Significance.